The following is an entry in ClinVar:

NM_025103.4(IFT74):c.1398A>C (p.Glu466Asp)

Gene: IFT74 (intraflagellar transport 74; plus strand). Cytogenetic location: 9p21.2.
Variant type: single nucleotide variant.
Coding change: c.1398A>C on transcript NM_025103.4 (MANE Select); coding-DNA position 1398, A replaced by C.
Protein change: p.Glu466Asp; replaces glutamic acid 466 with aspartic acid.
Molecular consequence: missense variant.
Genome position (GRCh38, 1-based): chr9:27,055,673, A>C. VCF-style: chr9-27055673-A-C. GRCh37 (hg19) VCF-style: chr9-27055671-A-C.
Other names: c.1398A>C, p.Glu466Asp (NM_001099222.3, NM_001099223.3, NM_001349928.2); c.1398A>C (NM_025103.2); short protein forms E466D.
Identifiers: ClinVar variation 1336246 (VCV001336246.13), dbSNP rs202158905, ClinGen allele CA5015660.
Genomic context (GRCh38, chr9:27,055,673, plus strand): 5'-TCAACGTCTGCAGTTGGATCTGCAGAAAATGGAGCTTCTAGAAAGTAAGATGACTGAAGA[A>C]CAGCATTCTCTAAAAAGCAAAATTAAGCAAATGACAACTGATCTGGAGATATATAATGAT-3'
Protein context (NP_079379.2, residues 456-476): MELLESKMTE[Glu466Asp]QHSLKSKIKQ

ClinVar aggregate classification (germline): Uncertain significance. Review status: criteria provided, multiple submitters, no conflicts (2 of 4 stars). 5 submissions from 5 submitters: Uncertain significance (5). Last evaluated 2026-09-25.

Conditions:
IFT74-related disorder. Also called: IFT74-related condition; IFT74-Related Disorders.
Inborn genetic diseases. Identifiers: MedGen C0950123, MeSH D030342.

Allele frequency attached by ClinVar (database versions not stated): ESP Exome Variant Server 0.00025; 1000 Genomes Project 0.00040; TOPMed 0.00040; 1000 Genomes Project 30x 0.00047.
gnomAD v4.1: 997 of 1,594,298 alleles (0.063%); highest among the groups gnomAD compares: Admixed American, 0.1%; no homozygotes.

Submissions (5):

PreventionGenetics, part of Exact Sciences
Classification: Uncertain significance for IFT74-related condition. Last evaluated: 2026-09-25. Review status: criteria provided, single submitter. Criteria: ACMG Guidelines, 2015. Collection method: clinical testing. Allele origin: germline.
Comment: The IFT74 c.1398A>C variant is predicted to result in the amino acid substitution p.Glu466Asp. To our knowledge, this variant has not been reported in the literature. This variant is reported in 0.099% of alleles in individuals of Latino descent in gnomAD, which may be too common to be an undocumented pathogenic variant. Although we suspect that this variant may be benign, at this time, the clinical significance of this variant is uncertain due to the absence of conclusive functional and genetic evidence.

Labcorp Genetics (formerly Invitae), Labcorp
Classification: Uncertain significance. Last evaluated: 2025-12-01. Review status: criteria provided, single submitter. Criteria: Invitae Variant Classification Sherloc (09022015). Collection method: clinical testing. Allele origin: germline.
Comment: This sequence change replaces glutamic acid, which is acidic and polar, with aspartic acid, which is acidic and polar, at codon 466 of the IFT74 protein (p.Glu466Asp). This variant is present in population databases (rs202158905, gnomAD 0.1%), and has an allele count higher than expected for a pathogenic variant. This variant has not been reported in the literature in individuals affected with IFT74-related conditions. ClinVar contains an entry for this variant (Variation ID: 1336246). An algorithm developed to predict the effect of missense changes on protein structure and function (PolyPhen-2) suggests that this variant is likely to be disruptive. In summary, the available evidence is currently insufficient to determine the role of this variant in disease. Therefore, it has been classified as a Variant of Uncertain Significance.

Ambry Genetics
Classification: Uncertain significance for Inborn genetic diseases. Last evaluated: 2021-09-23. Review status: criteria provided, single submitter. Criteria: Ambry Variant Classification Scheme 2023. Collection method: clinical testing. Allele origin: germline.

Genetic Services Laboratory, University of Chicago
Classification: Uncertain significance. Last evaluated: 2018-07-10. Review status: criteria provided, single submitter. Criteria: ACMG Guidelines, 2015. Collection method: clinical testing. Allele origin: germline. Affected: no.

Breakthrough Genomics
Classification: Uncertain significance. Review status: criteria provided, single submitter. Criteria: ACMG Guidelines, 2015. Collection method: not provided. Allele origin: germline. Inheritance: Autosomal recessive inheritance. Affected: yes.